The following is an entry in ClinVar:

NM_001384474.1(LOXHD1):c.2673G>A (p.Trp891Ter)

Gene: LOXHD1 (lipoxygenase homology PLAT domains 1; minus strand). Cytogenetic location: 18q21.1.
Variant type: single nucleotide variant.
Coding change: c.2673G>A on transcript NM_001384474.1 (MANE Select); coding-DNA position 2673, G replaced by A.
Protein change: p.Trp891Ter; replaces tryptophan 891 with a stop codon.
Molecular consequence: nonsense.
Genome position (GRCh38, 1-based): chr18:46,560,471, C>T on the plus strand (G>A on the coding strand, the complement: LOXHD1 is on the minus strand). VCF-style: chr18-46560471-C-T. GRCh37 (hg19) VCF-style: chr18-44140434-C-T.
Other names: c.2673G>A, p.Trp891Ter (NM_144612.7); short protein forms W891*.
Identifiers: ClinVar variation 4081725 (VCV004081725.1).
Genomic context (GRCh38, chr18:46,560,471, plus strand): 5'-CTCCGGCGTGAGGTCCACCTCCCGCACCACCAGGTGCCGCAGCCACACGGTGTCCACGAA[C>T]CAGCTGGGCCCAAAGCCCTCGCCCGTGTGCCCGAGCCGGAGCTTATAGACCTCGCCCACG-3'

ClinVar aggregate classification (germline): Pathogenic (1 of 4 stars; one submission).

Conditions:
Autosomal recessive nonsyndromic hearing loss 77. Identifiers: Orphanet 90636, MedGen C2746083, MONDO:0013119, OMIM 613079.

Submission:

Myriad Genetics, Inc.
Classification: Pathogenic for Autosomal recessive nonsyndromic hearing loss 77. Last evaluated: 2025-06-25. Review status: criteria provided, single submitter. Criteria: Myriad Autosomal Dominant, Autosomal Recessive and X-Linked Classification Criteria (2023). Collection method: clinical testing. Allele origin: unknown.
Comment: NM_144612.6(LOXHD1):c.2673G>A(W891*) is a nonsense variant classified as pathogenic in the context of nonsyndromic hearing loss, LOXHD1-related. W891* has not been observed in cases with relevant disease. Relevant functional assessments of this variant are not available in the literature. W891* has not been observed in referenced population frequency databases. In summary, NM_144612.6(LOXHD1):c.2673G>A(W891*) is a nonsense variant in a gene where loss of function is a known mechanism of disease and is predicted to disrupt protein function. Please note: this variant was assessed in the context of healthy population screening.